The following is an entry in ClinVar:

ClinVar aggregate classification (germline): Uncertain significance (1 of 4 stars; one submission).

Submission:

Labcorp Genetics (formerly Invitae), Labcorp
Classification: Uncertain significance. Last evaluated: 2024-07-08. Review status: criteria provided, single submitter. Criteria: Invitae Variant Classification Sherloc (09022015). Collection method: clinical testing. Allele origin: germline.
Comment: This sequence change replaces glutamic acid, which is acidic and polar, with alanine, which is neutral and non-polar, at codon 334 of the GPR179 protein (p.Glu334Ala). This variant is not present in population databases (gnomAD no frequency). This variant has not been reported in the literature in individuals affected with GPR179-related conditions. ClinVar contains an entry for this variant (Variation ID: 1391839). An algorithm developed to predict the effect of missense changes on protein structure and function (PolyPhen-2) suggests that this variant is likely to be tolerated. In summary, the available evidence is currently insufficient to determine the role of this variant in disease. Therefore, it has been classified as a Variant of Uncertain Significance.

NM_001004334.4(GPR179):c.1001A>C (p.Glu334Ala)

Gene: GPR179 (G protein-coupled receptor 179; minus strand). Cytogenetic location: 17q12.
Variant type: single nucleotide variant.
Coding change: c.1001A>C on transcript NM_001004334.4 (MANE Select); coding-DNA position 1001, A replaced by C.
Protein change: p.Glu334Ala; replaces glutamic acid 334 with alanine.
Molecular consequence: missense variant.
Genome position (GRCh38, 1-based): chr17:38,337,204, T>G on the plus strand (A>C on the coding strand, the complement: GPR179 is on the minus strand). VCF-style: chr17-38337204-T-G. GRCh37 (hg19) VCF-style: chr17-36493087-T-G.
Other names: short protein forms E334A.
Identifiers: ClinVar variation 1391839 (VCV001391839.6), dbSNP rs2144273292, ClinGen allele CA398887994.